The following is an entry in ClinVar:

ClinVar aggregate classification (germline): Uncertain significance (1 of 4 stars; one submission).

Conditions:
Primary ciliary dyskinesia. Also called: Ciliary dyskinesia. Identifiers: Orphanet 244, MedGen C0008780, MONDO:0016575, HP:0012265.

Allele frequency attached by ClinVar (database versions not stated): gnomAD exomes below 0.00001; TOPMed 0.00001; gnomAD 0.00002.
gnomAD v4.1: 5 of 1,613,142 alleles (0.00031%); highest among the groups gnomAD compares: African/African-American, 0.0053%; no homozygotes.

Submission:

Labcorp Genetics (formerly Invitae), Labcorp
Classification: Uncertain significance for Primary ciliary dyskinesia. Last evaluated: 2020-06-06. Review status: criteria provided, single submitter. Criteria: Invitae Variant Classification Sherloc (09022015). Collection method: clinical testing. Allele origin: germline.
Comment: Algorithms developed to predict the effect of missense changes on protein structure and function are either unavailable or do not agree on the potential impact of this missense change (SIFT: "Tolerated"; PolyPhen-2: "Possibly Damaging"; Align-GVGD: "Class C0"). In summary, the available evidence is currently insufficient to determine the role of this variant in disease. Therefore, it has been classified as a Variant of Uncertain Significance. This variant has not been reported in the literature in individuals with CCDC40-related conditions. This variant is not present in population databases (ExAC no frequency). This sequence change replaces glutamic acid with lysine at codon 219 of the CCDC40 protein (p.Glu219Lys). The glutamic acid residue is weakly conserved and there is a small physicochemical difference between glutamic acid and lysine.

NM_017950.4(CCDC40):c.655G>A (p.Glu219Lys)

Gene: CCDC40 (coiled-coil domain 40 molecular ruler complex subunit; plus strand). Cytogenetic location: 17q25.3.
Variant type: single nucleotide variant.
Coding change: c.655G>A on transcript NM_017950.4 (MANE Select); coding-DNA position 655, G replaced by A.
Protein change: p.Glu219Lys; replaces glutamic acid 219 with lysine.
Molecular consequence: missense variant.
Genome position (GRCh38, 1-based): chr17:80,047,381, G>A. VCF-style: chr17-80047381-G-A. GRCh37 (hg19) VCF-style: chr17-78021180-G-A.
Other names: c.655G>A, p.Glu219Lys (NM_001243342.2, NM_001330508.2); short protein forms E219K.
Identifiers: ClinVar variation 1058504 (VCV001058504.9), dbSNP rs1277342777, ClinGen allele CA401352239.